The following is an entry in ClinVar:

ClinVar aggregate classification (germline): Conflicting classifications of pathogenicity. Review status: criteria provided, conflicting classifications (1 of 4 stars). 2 submissions from 2 submitters: Uncertain significance (1); Likely benign (1). Last evaluated 2024-03-27.

Conditions:
Ataxia-telangiectasia-like disorder (ATLD). Identifiers: MedGen C1858391, MONDO:0011457.
Hereditary cancer-predisposing syndrome. Also called: Neoplastic Syndromes, Hereditary; Tumor predisposition; Hereditary Cancer Syndrome; Hereditary neoplastic syndrome. Identifiers: Orphanet 140162, MedGen C0027672, MeSH D009386, MONDO:0015356.

Allele frequency attached by ClinVar (database versions not stated): TOPMed below 0.00001; gnomAD 0.00001 and 0.00003.
gnomAD v4.1: 3 of 1,612,794 alleles (0.00019%); highest among the groups gnomAD compares: Admixed American, 0.0017%; no homozygotes.

Submissions (2):

Ambry Genetics
Classification: Likely benign for Hereditary cancer-predisposing syndrome. Last evaluated: 2024-03-27. Review status: criteria provided, single submitter. Criteria: Ambry Variant Classification Scheme 2023. Collection method: clinical testing. Allele origin: germline.

Labcorp Genetics (formerly Invitae), Labcorp
Classification: Uncertain significance for Ataxia-telangiectasia-like disorder. Last evaluated: 2023-08-03. Review status: criteria provided, single submitter. Criteria: Invitae Variant Classification Sherloc (09022015). Collection method: clinical testing. Allele origin: germline.
Comment: An algorithm developed to predict the effect of missense changes on protein structure and function (PolyPhen-2) suggests that this variant is likely to be tolerated. This variant is not present in population databases (gnomAD no frequency). This variant has not been reported in the literature in individuals affected with MRE11-related conditions. ClinVar contains an entry for this variant (Variation ID: 483613). This sequence change replaces aspartic acid, which is acidic and polar, with asparagine, which is neutral and polar, at codon 663 of the MRE11 protein (p.Asp663Asn). In summary, the available evidence is currently insufficient to determine the role of this variant in disease. Therefore, it has been classified as a Variant of Uncertain Significance.

NM_005591.4(MRE11):c.1987G>A (p.Asp663Asn)

Gene: MRE11 (MRE11 double strand break repair nuclease; minus strand). Cytogenetic location: 11q21.
Variant type: single nucleotide variant.
Coding change: c.1987G>A on transcript NM_005591.4 (MANE Select); coding-DNA position 1987, G replaced by A.
Protein change: p.Asp663Asn; replaces aspartic acid 663 with asparagine.
Molecular consequence: missense variant.
Genome position (GRCh38, 1-based): chr11:94,435,839, C>T on the plus strand (G>A on the coding strand, the complement: MRE11 is on the minus strand). VCF-style: chr11-94435839-C-T. GRCh37 (hg19) VCF-style: chr11-94169005-C-T.
Other names: c.1984G>A, p.Asp662Asn (NM_001330347.2); c.1903G>A, p.Asp635Asn (NM_005590.4); short protein forms D663N, D635N, D662N.
Identifiers: ClinVar variation 483613 (VCV000483613.11), dbSNP rs1329286592, ClinGen allele CA382374032.